The following is an entry in ClinVar:

ClinVar aggregate classification (germline): Pathogenic. Review status: no assertion criteria provided (0 of 4 stars). 2 submissions from 2 submitters: Pathogenic (2). Last evaluated 1994-07-01.

Conditions:
Congenital factor VII deficiency. Identifiers: Orphanet 327, MedGen C0272320, MONDO:0009211, OMIM 227500.
Factor VII deficiency. Also called: F7 DEFICIENCY; HYPOPROCONVERTINEMIA; Factor 7 deficiency. Identifiers: MedGen C0015503, MeSH D005168, MONDO:0002244.

Submissions (2):

OMIM
Classification: Pathogenic for FACTOR VII DEFICIENCY. Last evaluated: 1994-07-01. Review status: no assertion criteria provided. Collection method: literature only. Allele origin: germline.

ISTH-SSC Genomics in Thrombosis and Hemostasis, KU Leuven, Center for Molecular and Vascular Biology
Classification: Pathogenic for Congenital factor VII deficiency. Review status: no assertion criteria provided. Collection method: research. Allele origin: unknown. Affected: yes.
Comment: Submitted to GoldVariant by Dr Karyn Mégy from NIHR Bioresource - Cambridge University, UK

Literature cited by the submitters: PubMed 7981691 (cited by OMIM).

NM_019616.4(F7):c.783_799del (p.Arg262fs)

Gene: F7 (coagulation factor VII; plus strand). Cytogenetic location: 13q34.
Variant type: Deletion.
Coding change: c.783_799del on transcript NM_019616.4 (MANE Select); coding-DNA positions 783 to 799, 17 bases deleted (GCGGGTGGCGCAGGTCA).
Protein change: p.Arg262fs; shifts the reading frame from arginine 262.
Molecular consequence: frameshift variant. On other transcripts: non-coding transcript variant (1).
Genome position (GRCh38, 1-based): chr13:113,118,456-113,118,472, GCGGGTGGCGCAGGTCA deleted. VCF-style (leftmost placement, unchanged base first): chr13-113118455-GGCGGGTGGCGCAGGTCA-G. GRCh37 (hg19) VCF-style: chr13-113772769-GGCGGGTGGCGCAGGTCA-G.
Other names: F7, 17-BP DEL; c.849_865delGCGGGTGGCGCAGGTCA (NM_000131.4); c.849_865del17, p.Arg284Hisfs (NM_000131.5); c.597_613del, p.Arg200fs (NM_001267554.2); short protein forms R200fs, R262fs, R284fs.
Identifiers: ClinVar variation 12077 (VCV000012077.2), dbSNP rs786205091, ClinGen allele CA121854.